The following is an entry in ClinVar:

ClinVar aggregate classification (germline): Uncertain significance (1 of 4 stars; one submission).

Submission:

Labcorp Genetics (formerly Invitae), Labcorp
Classification: Uncertain significance. Last evaluated: 2022-08-09. Review status: criteria provided, single submitter. Criteria: Invitae Variant Classification Sherloc (09022015). Collection method: clinical testing. Allele origin: germline.
Comment: In summary, the available evidence is currently insufficient to determine the role of this variant in disease. Therefore, it has been classified as a Variant of Uncertain Significance. This sequence change replaces glycine, which is neutral and non-polar, with alanine, which is neutral and non-polar, at codon 143 of the SLC18A3 protein (p.Gly143Ala). This variant is not present in population databases (gnomAD no frequency). This variant has not been reported in the literature in individuals affected with SLC18A3-related conditions. ClinVar contains an entry for this variant (Variation ID: 1510629). Algorithms developed to predict the effect of missense changes on protein structure and function (SIFT, PolyPhen-2, Align-GVGD) all suggest that this variant is likely to be disruptive.

NM_003055.3(SLC18A3):c.428G>C (p.Gly143Ala)

Genes: CHAT (choline O-acetyltransferase; plus strand), SLC18A3 (solute carrier family 18 member A3; plus strand). Cytogenetic location: 10q11.23.
Variant type: single nucleotide variant.
Coding change: c.428G>C on transcript NM_003055.3 (MANE Select); coding-DNA position 428, G replaced by C.
Protein change: p.Gly143Ala; replaces glycine 143 with alanine.
Molecular consequence: missense variant. On other transcripts: intron variant (1).
Genome position (GRCh38, 1-based): chr10:49,611,168, G>C. VCF-style: chr10-49611168-G-C. GRCh37 (hg19) VCF-style: chr10-50819214-G-C.
Other names: c.-69+1969G>C (NM_020984.4); short protein forms G143A.
Identifiers: ClinVar variation 1510629 (VCV001510629.7), dbSNP rs2132686426, ClinGen allele CA376718527.
Genomic context (GRCh38, chr10:49,611,168, plus strand): 5'-AGATCGGGGTGCTGTTTGCTTCCAAGGCTATCCTGCAGCTGCTAGTGAACCCCTTGAGCG[G>C]GCCCTTCATCGACCGCATGAGCTACGACGTGCCGCTGCTGATCGGCCTGGGCGTCATGTT-3'
Protein context (NP_003046.2, residues 133-153): ILQLLVNPLS[Gly143Ala]PFIDRMSYDV